The following is an entry in ClinVar:

ClinVar aggregate classification (germline): Uncertain significance (1 of 4 stars; one submission).

gnomAD v4.1: 1 of 1,614,134 alleles (0.000062%); no homozygotes.

Submission:

GeneDx
Classification: Uncertain significance. Last evaluated: 2022-05-13. Review status: criteria provided, single submitter. Criteria: GeneDx Variant Classification Process June 2021. Collection method: clinical testing. Allele origin: germline. Affected: yes.
Comment: Has not been previously published as pathogenic or benign to our knowledge; Not observed at significant frequency in large population cohorts (gnomAD); In silico analysis supports that this missense variant does not alter protein structure/function

NM_001308120.2(TOGARAM1):c.1397T>C (p.Val466Ala)

Gene: TOGARAM1 (TOG array regulator of axonemal microtubules 1; plus strand). Cytogenetic location: 14q21.2.
Variant type: single nucleotide variant.
Coding change: c.1397T>C on transcript NM_001308120.2 (MANE Select); coding-DNA position 1397, T replaced by C.
Protein change: p.Val466Ala; replaces valine 466 with alanine.
Molecular consequence: missense variant. On other transcripts: non-coding transcript variant (1).
Genome position (GRCh38, 1-based): chr14:44,963,818, T>C. VCF-style: chr14-44963818-T-C. GRCh37 (hg19) VCF-style: chr14-45433021-T-C.
Other names: c.1397T>C, p.Val466Ala (NM_015091.4); short protein forms V466A.
Identifiers: ClinVar variation 1723745 (VCV001723745.2), dbSNP rs1198638762, ClinGen allele CA389575576.